The following is an entry in ClinVar:

ClinVar aggregate classification (germline): Conflicting classifications of pathogenicity. Review status: criteria provided, conflicting classifications (1 of 4 stars). 12 submissions from 12 submitters: Uncertain significance (2); Likely benign (7). 3 of the submissions do not count toward it. Last evaluated 2026-02-04.

Conditions:
LAMA2-related disorder. Also called: LAMA2-related disorders; LAMA2-related condition.
LAMA2-related muscular dystrophy (LAMA2-RD). Also called: Laminin alpha 2-related dystrophy. Identifiers: MedGen C5679788, MONDO:0100228.
Congenital muscular dystrophy due to partial LAMA2 deficiency. Identifiers: MedGen C1842898.

Allele frequency attached by ClinVar (database versions not stated): gnomAD 0.00056; ExAC 0.00058; TOPMed 0.00060; gnomAD exomes 0.00063 and 0.00096; ESP Exome Variant Server 0.00115.
gnomAD v4.1: 1,491 of 1,603,496 alleles (0.093%); highest among the groups gnomAD compares: Non-Finnish European, 0.11%; 3 homozygotes.

Submissions (12):

Labcorp Genetics (formerly Invitae), Labcorp
Classification: Likely benign for LAMA2-related muscular dystrophy. Last evaluated: 2026-02-04. Review status: criteria provided, single submitter. Criteria: Invitae Variant Classification Sherloc (09022015). Collection method: clinical testing. Allele origin: germline.

Mayo Clinic Laboratories, Mayo Clinic
Classification: Likely benign. Last evaluated: 2025-03-26. Review status: criteria provided, single submitter. Criteria: ACMG Guidelines, 2015. Collection method: clinical testing. Allele origin: germline. Observed: 10 variant alleles.
Comment: BP4, BP7

Women's Health and Genetics/Laboratory Corporation of America, LabCorp
Classification: Likely benign. Last evaluated: 2024-11-27. Review status: criteria provided, single submitter. Criteria: LabCorp Variant Classification Summary - May 2015. Collection method: clinical testing. Allele origin: germline.

Blueprint Genetics
Classification: Likely benign. Last evaluated: 2024-11-26. Review status: criteria provided, single submitter. Criteria: ACMG Guidelines, 2015. Collection method: clinical testing. Allele origin: germline.

CeGaT Center for Human Genetics Tuebingen
Classification: Likely benign. Last evaluated: 2023-01-01. Review status: criteria provided, single submitter. Criteria: CeGaT Center For Human Genetics Tuebingen Variant Classification Criteria Version 2. Collection method: clinical testing. Allele origin: germline. Affected: yes. Observed: 2 variant alleles.
Comment: LAMA2: BP4

Genetic Services Laboratory, University of Chicago
Classification: Likely benign. Last evaluated: 2019-08-20. Review status: criteria provided, single submitter. Criteria: ACMG Guidelines, 2015. Collection method: clinical testing. Allele origin: germline. Affected: no.

Illumina Laboratory Services, Illumina
Classification: Uncertain significance for Congenital muscular dystrophy due to partial LAMA2 deficiency. Last evaluated: 2018-01-13. Review status: criteria provided, single submitter. Criteria: ICSL Variant Classification Criteria 13 December 2019. Collection method: clinical testing. Allele origin: germline.

GeneDx
Classification: Likely benign. Last evaluated: 2017-08-17. Review status: criteria provided, single submitter. Criteria: GeneDx Variant Classification (06012015). Collection method: clinical testing. Allele origin: germline. Affected: yes.
Comment: This variant is considered likely benign or benign based on one or more of the following criteria: it is a conservative change, it occurs at a poorly conserved position in the protein, it is predicted to be benign by multiple in silico algorithms, and/or has population frequency not consistent with disease.

Eurofins Ntd Llc (ga)
Classification: Uncertain significance. Last evaluated: 2015-04-07. Review status: criteria provided, single submitter. Criteria: EGL Classification Definitions 2015. Collection method: clinical testing. Allele origin: germline. Observed: 1 variant allele, 1 heterozygote.

PreventionGenetics, part of Exact Sciences
Classification: Likely benign for LAMA2-related condition. Last evaluated: 2019-07-10. Review status: no assertion criteria provided. Collection method: clinical testing. Allele origin: germline. Not counted in ClinVar's aggregate classification.
Comment: This variant is classified as likely benign based on ACMG/AMP sequence variant interpretation guidelines (Richards et al. 2015 PMID: 25741868, with internal and published modifications).

Clinical Genetics, Academic Medical Center
Classification: Likely benign. Review status: no assertion criteria provided. Collection method: clinical testing. Allele origin: germline. Affected: yes. Study: VKGL Data-share Consensus. Not counted in ClinVar's aggregate classification.

Laboratory of Diagnostic Genome Analysis, Leiden University Medical Center (LUMC)
Classification: Likely benign. Review status: no assertion criteria provided. Collection method: clinical testing. Allele origin: germline. Affected: yes. Study: VKGL Data-share Consensus. Not counted in ClinVar's aggregate classification.

NM_000426.4(LAMA2):c.7300+10T>A

Gene: LAMA2 (laminin subunit alpha 2; plus strand). Cytogenetic location: 6q22.33.
Variant type: single nucleotide variant.
Coding change: c.7300+10T>A on transcript NM_000426.4 (MANE Select); 10 bases into the intron after coding-DNA position 7300, T replaced by A.
Molecular consequence: intron variant.
Genome position (GRCh38, 1-based): chr6:129,465,299, T>A. VCF-style: chr6-129465299-T-A. GRCh37 (hg19) VCF-style: chr6-129786444-T-A.
Other names: p.?; c.7300+10T>A (NM_001079823.2).
Identifiers: ClinVar variation 197921 (VCV000197921.63), dbSNP rs200469923, ClinGen allele CA207908.